The following is an entry in ClinVar:

ClinVar aggregate classification (germline): Likely pathogenic. Review status: criteria provided, multiple submitters, no conflicts (2 of 4 stars). 3 submissions from 3 submitters: Likely pathogenic (2). 1 of the submissions does not count toward it. Last evaluated 2023-12-19.

Conditions:
Muscular dystrophy-dystroglycanopathy (congenital with brain and eye anomalies), type A3. Also called: Congenital muscular dystrophy-dystroglycanopathy with brain and eye anomalies, type A3; Muscular dystrophy-dystroglycanopathy (congenital with brain and eye anomalies), type A, 3; WALKER-WARBURG SYNDROME OR MUSCLE-EYE-BRAIN DISEASE, POMGNT1-RELATED. Identifiers: MedGen C3151519, MONDO:0009667, OMIM 253280.
Muscular dystrophy-dystroglycanopathy (congenital with impaired intellectual development), type B, 3. Also called: Muscular dystrophy-dystroglycanopathy (congenital with intellectual disability), type B3; MUSCULAR DYSTROPHY, CONGENITAL, POMGNT1-RELATED. Identifiers: MedGen C3150412, MONDO:0013155, OMIM 613151.
Autosomal recessive limb-girdle muscular dystrophy type 2O. Also called: Limb-Girdle Muscular Dystrophy Type 3C; MUSCULAR DYSTROPHY-DYSTROGLYCANOPATHY (LIMB-GIRDLE), TYPE C, 3; MUSCULAR DYSTROPHY-DYSTROGLYCANOPATHY, LIMB-GIRDLE, POMGNT1-RELATED. Identifiers: Orphanet 206564, MedGen C3150417, MONDO:0013161, OMIM 613157.

Submissions (3):

Baylor Genetics
Classification: Likely pathogenic for Muscular dystrophy-dystroglycanopathy (congenital with brain and eye anomalies), type A3. Last evaluated: 2023-12-19. Review status: criteria provided, single submitter. Criteria: ACMG Guidelines, 2015. Collection method: clinical testing. Allele origin: unknown.

Labcorp Genetics (formerly Invitae), Labcorp
Classification: Likely pathogenic for Autosomal recessive limb-girdle muscular dystrophy type 2O; Muscular dystrophy-dystroglycanopathy (congenital with impaired intellectual development), type B, 3. Last evaluated: 2023-02-22. Review status: criteria provided, single submitter. Criteria: Invitae Variant Classification Sherloc (09022015). Collection method: clinical testing. Allele origin: germline.
Comment: In summary, the currently available evidence indicates that the variant is pathogenic, but additional data are needed to prove that conclusively. Therefore, this variant has been classified as Likely Pathogenic. Algorithms developed to predict the effect of sequence changes on RNA splicing suggest that this variant may disrupt the consensus splice site. ClinVar contains an entry for this variant (Variation ID: 550664). This variant has not been reported in the literature in individuals affected with POMGNT1-related conditions. This variant is not present in population databases (gnomAD no frequency). This sequence change affects a splice site in intron 17 of the POMGNT1 gene. It is expected to disrupt RNA splicing. Variants that disrupt the donor or acceptor splice site typically lead to a loss of protein function (PMID: 16199547), and loss-of-function variants in POMGNT1 are known to be pathogenic (PMID: 19299310, 20816175, 21447391, 26908613, 27391550).

Counsyl
Classification: Likely pathogenic for Muscular dystrophy-dystroglycanopathy (congenital with brain and eye anomalies), type A3. Last evaluated: 2017-02-07. Review status: no assertion criteria provided. Collection method: clinical testing. Allele origin: unknown. Not counted in ClinVar's aggregate classification.

Literature cited by the submitters: PubMed 16199547 (cited by Labcorp Genetics (formerly Invitae), Labcorp); PubMed 19299310 (cited by Labcorp Genetics (formerly Invitae), Labcorp); PubMed 20816175 (cited by Labcorp Genetics (formerly Invitae), Labcorp); PubMed 21447391 (cited by Labcorp Genetics (formerly Invitae), Labcorp); PubMed 26908613 (cited by Labcorp Genetics (formerly Invitae), Labcorp); PubMed 27391550 (cited by Labcorp Genetics (formerly Invitae), Labcorp).

NM_017739.4(POMGNT1):c.1539+1del

Genes: POMGNT1 (protein O-linked mannose N-acetylglucosaminyltransferase 1 (beta 1,2-); minus strand), TSPAN1 (tetraspanin 1; plus strand). Cytogenetic location: 1p34.1.
Variant type: Deletion.
Coding change: c.1539+1del on transcript NM_017739.4 (MANE Select); the canonical splice donor site of the intron after coding-DNA position 1539, one base deleted (G; older notation c.1539+1delG).
Molecular consequence: splice donor variant.
Genome position (GRCh38, 1-based): chr1:46,192,097, C deleted on the plus strand (G on the coding strand, the reverse complement: POMGNT1 is on the minus strand). VCF-style (leftmost placement, unchanged base first): chr1-46192096-AC-A. GRCh37 (hg19) VCF-style: chr1-46657768-AC-A.
Other names: c.1539+1delG (NM_017739.3); c.1539+1del (NM_001243766.2, NM_001438686.1, NM_001438688.1 and 3 more transcripts); c.1473+1del (NM_001290129.3, NM_001438691.1, NM_001438692.1); c.1110+1del (NM_001290130.2).
Identifiers: ClinVar variation 550664 (VCV000550664.7), dbSNP rs1553163077, ClinGen allele CA658821025.